The following is an entry in ClinVar:

NM_005535.3(IL12RB1):c.1914T>C (p.Pro638=)

Gene: IL12RB1 (interleukin 12 receptor subunit beta 1; minus strand). Cytogenetic location: 19p13.11.
Variant type: single nucleotide variant.
Coding change: c.1914T>C on transcript NM_005535.3 (MANE Select); coding-DNA position 1914, T replaced by C.
Protein change: p.Pro638=; no amino-acid change (proline 638 retained).
Molecular consequence: synonymous variant.
Genome position (GRCh38, 1-based): chr19:18,059,963, A>G on the plus strand (T>C on the coding strand, the complement: IL12RB1 is on the minus strand). VCF-style: chr19-18059963-A-G. GRCh37 (hg19) VCF-style: chr19-18170773-A-G.
Other names: c.1914T>C, p.Pro638= (NM_001290023.2); c.2034T>C, p.Pro678= (NM_001290024.2).
Identifiers: ClinVar variation 328575 (VCV000328575.52), dbSNP rs199686420, ClinGen allele CA9304650.

ClinVar aggregate classification (germline): Conflicting classifications of pathogenicity. Review status: criteria provided, conflicting classifications (1 of 4 stars). 5 submissions from 5 submitters: Uncertain significance (1); Benign (1); Likely benign (2). 1 of the submissions does not count toward it. Last evaluated 2026-07-01.

Conditions:
IL12RB1-related disorder. Also called: IL12RB1-related condition.
Mendelian susceptibility to mycobacterial diseases due to complete IL12RB1 deficiency. Also called: IL12RB1 DEFICIENCY; Immunodeficiency 30. Identifiers: Orphanet 319552, MedGen C4013949, MONDO:0013955, OMIM 614891.

Allele frequency attached by ClinVar (database versions not stated): 1000 Genomes Project 0.00060; 1000 Genomes Project 30x 0.00094; ESP Exome Variant Server 0.00098; gnomAD 0.00113 and 0.00129; TOPMed 0.00158; ExAC 0.00239.
gnomAD v4.1: 2,282 of 1,598,992 alleles (0.14%); highest among the groups gnomAD compares: Middle Eastern, 0.17%; 5 homozygotes.

Submissions (5):

CeGaT Center for Human Genetics Tuebingen
Classification: Likely benign. Last evaluated: 2026-07-01. Review status: criteria provided, single submitter. Criteria: CeGaT Center For Human Genetics Tuebingen Variant Classification Criteria Version 2. Collection method: clinical testing. Allele origin: germline. Affected: yes. Observed: 6 variant alleles.
Comment: IL12RB1: BP4, BP7

Labcorp Genetics (formerly Invitae), Labcorp
Classification: Benign for Mendelian susceptibility to mycobacterial diseases due to complete IL12RB1 deficiency. Last evaluated: 2026-02-01. Review status: criteria provided, single submitter. Criteria: Invitae Variant Classification Sherloc (09022015). Collection method: clinical testing. Allele origin: germline.

Blueprint Genetics
Classification: Likely benign. Last evaluated: 2024-10-28. Review status: criteria provided, single submitter. Criteria: ACMG Guidelines, 2015. Collection method: clinical testing. Allele origin: germline.

Illumina Laboratory Services, Illumina
Classification: Uncertain significance for Mendelian susceptibility to mycobacterial diseases due to complete IL12RB1 deficiency. Last evaluated: 2018-01-12. Review status: criteria provided, single submitter. Criteria: ICSL Variant Classification Criteria 13 December 2019. Collection method: clinical testing. Allele origin: germline.

PreventionGenetics, part of Exact Sciences
Classification: Likely benign for IL12RB1-related condition. Last evaluated: 2019-02-27. Review status: no assertion criteria provided. Collection method: clinical testing. Allele origin: germline. Not counted in ClinVar's aggregate classification.
Comment: This variant is classified as likely benign based on ACMG/AMP sequence variant interpretation guidelines (Richards et al. 2015 PMID: 25741868, with internal and published modifications).